The following is an entry in ClinVar:

ClinVar aggregate classification (germline): Uncertain significance (1 of 4 stars; one submission).

Conditions:
Pierson syndrome. Also called: MICROCORIA-CONGENITAL NEPHROTIC SYNDROME. Identifiers: Orphanet 2670, MedGen C1836876, MONDO:0012184, OMIM 609049.
LAMB2-related infantile-onset nephrotic syndrome. Also called: Nephrotic Syndrome, type 5; NEPHROTIC SYNDROME, TYPE 5, WITHOUT OCULAR ABNORMALITIES; NEPHROTIC SYNDROME, TYPE 5, WITH OCULAR ABNORMALITIES. Identifiers: Orphanet 306507, MedGen C3280113, MONDO:0013621, OMIM 614199.

Allele frequency attached by ClinVar (database versions not stated): gnomAD exomes 0.00001; TOPMed 0.00001; gnomAD 0.00002; ExAC 0.00003; 1000 Genomes Project 30x 0.00016; 1000 Genomes Project 0.00020.

Submission:

Labcorp Genetics (formerly Invitae), Labcorp
Classification: Uncertain significance for LAMB2-related infantile-onset nephrotic syndrome; Pierson syndrome. Last evaluated: 2022-05-20. Review status: criteria provided, single submitter. Criteria: Invitae Variant Classification Sherloc (09022015). Collection method: clinical testing. Allele origin: germline.
Comment: In summary, the available evidence is currently insufficient to determine the role of this variant in disease. Therefore, it has been classified as a Variant of Uncertain Significance. Algorithms developed to predict the effect of missense changes on protein structure and function are either unavailable or do not agree on the potential impact of this missense change (SIFT: "Deleterious"; PolyPhen-2: "Possibly Damaging"; Align-GVGD: "Class C15"). This variant has not been reported in the literature in individuals affected with LAMB2-related conditions. This variant is present in population databases (rs574123999, gnomAD 0.01%). This sequence change replaces arginine, which is basic and polar, with cysteine, which is neutral and slightly polar, at codon 384 of the LAMB2 protein (p.Arg384Cys).

NM_002292.4(LAMB2):c.1150C>T (p.Arg384Cys)

Gene: LAMB2 (laminin subunit beta 2; minus strand). Cytogenetic location: 3p21.31.
Variant type: single nucleotide variant.
Coding change: c.1150C>T on transcript NM_002292.4 (MANE Select); coding-DNA position 1150, C replaced by T.
Protein change: p.Arg384Cys; replaces arginine 384 with cysteine.
Molecular consequence: missense variant.
Genome position (GRCh38, 1-based): chr3:49,130,306, G>A on the plus strand (C>T on the coding strand, the complement: LAMB2 is on the minus strand). VCF-style: chr3-49130306-G-A. GRCh37 (hg19) VCF-style: chr3-49167739-G-A.
Other names: short protein forms R384C.
Identifiers: ClinVar variation 2194078 (VCV002194078.2), dbSNP rs574123999, ClinGen allele CA2394683.